The following is an entry in ClinVar:

NM_000368.5(TSC1):c.2513G>T (p.Ser838Ile)

Gene: TSC1 (TSC complex subunit 1; minus strand). Cytogenetic location: 9q34.13.
Variant type: single nucleotide variant.
Coding change: c.2513G>T on transcript NM_000368.5 (MANE Select); coding-DNA position 2513, G replaced by T.
Protein change: p.Ser838Ile; replaces serine 838 with isoleucine.
Molecular consequence: missense variant. On other transcripts: non-coding transcript variant (5).
Genome position (GRCh38, 1-based): chr9:132,900,827, C>A on the plus strand (G>T on the coding strand, the complement: TSC1 is on the minus strand). VCF-style: chr9-132900827-C-A. GRCh37 (hg19) VCF-style: chr9-135776214-C-A.
Other names: c.2471G>T, p.Ser824Ile (NM_001406606.1, NM_001406607.1, NM_001406605.1); c.2468G>T, p.Ser823Ile (NM_001406608.1, NM_001406609.1); c.2360G>T, p.Ser787Ile (NM_001406610.1, NM_001162427.2); c.2357G>T, p.Ser786Ile (NM_001406611.1, NM_001406612.1); c.2315G>T, p.Ser772Ile (NM_001406613.1); c.2150G>T, p.Ser717Ile (NM_001406614.1, NM_001406615.1, NM_001362177.2 and 4 more transcripts); c.2510G>T, p.Ser837Ile (NM_001162426.2, NM_001406597.1, NM_001406598.1 and 2 more transcripts); c.2513G>T, p.Ser838Ile (NM_001406592.1, NM_001406593.1, NM_001406594.1 and 2 more transcripts); and 8 more; short protein forms S487I, S520I, S521I, S702I, S703I, S716I, S717I, S772I.
Identifiers: ClinVar variation 4866033 (VCV004866033.1).

ClinVar aggregate classification (germline): Uncertain significance (1 of 4 stars; one submission).

Conditions:
Hereditary cancer-predisposing syndrome. Also called: Neoplastic Syndromes, Hereditary; Tumor predisposition; Hereditary Cancer Syndrome; Hereditary neoplastic syndrome. Identifiers: Orphanet 140162, MedGen C0027672, MeSH D009386, MONDO:0015356.

Submission:

Ambry Genetics
Classification: Uncertain significance for Hereditary cancer-predisposing syndrome. Last evaluated: 2026-05-01. Review status: criteria provided, single submitter. Criteria: Ambry Variant Classification Scheme 2023. Collection method: clinical testing. Allele origin: germline.
Comment: The p.S838I variant (also known as c.2513G>T), located in coding exon 18 of the TSC1 gene, results from a G to T substitution at nucleotide position 2513. The serine at codon 838 is replaced by isoleucine, an amino acid with dissimilar properties. This amino acid position is conserved. In addition, this alteration is predicted to be deleterious by in silico analysis. Based on the available evidence, the clinical significance of this variant remains unclear.